The following is an entry in ClinVar:

NM_004667.6(HERC2):c.8062C>G (p.His2688Asp)

Gene: HERC2 (HECT and RLD domain containing E3 ubiquitin protein ligase 2; minus strand). Cytogenetic location: 15q13.1.
Variant type: single nucleotide variant.
Coding change: c.8062C>G on transcript NM_004667.6 (MANE Select); coding-DNA position 8062, C replaced by G.
Protein change: p.His2688Asp; replaces histidine 2688 with aspartic acid.
Molecular consequence: missense variant.
Genome position (GRCh38, 1-based): chr15:28,196,519, G>C on the plus strand (C>G on the coding strand, the complement: HERC2 is on the minus strand). VCF-style: chr15-28196519-G-C. GRCh37 (hg19) VCF-style: chr15-28441665-G-C.
Other names: short protein forms H2688D.
Identifiers: ClinVar variation 3369793 (VCV003369793.1).

ClinVar aggregate classification (germline): Uncertain significance (1 of 4 stars; one submission).

Submission:

GeneDx
Classification: Uncertain significance. Last evaluated: 2024-03-04. Review status: criteria provided, single submitter. Criteria: GeneDx Variant Classification Process June 2021. Collection method: clinical testing. Allele origin: germline. Affected: yes.
Comment: Not observed at significant frequency in large population cohorts (gnomAD); In silico analysis supports that this missense variant does not alter protein structure/function; Has not been previously published as pathogenic or benign to our knowledge